The following is an entry in ClinVar:

ClinVar aggregate classification (germline): Conflicting classifications of pathogenicity. Review status: criteria provided, conflicting classifications (1 of 4 stars). 6 submissions from 6 submitters: Uncertain significance (4); Likely benign (1). 1 of the submissions does not count toward it. Last evaluated 2023-08-19.

Conditions:
TTN-related disorder. Also called: TTN-related disorders; TTN-related condition; TTN-related disease.
Cardiovascular phenotype. Identifiers: MedGen CN230736.
Autosomal recessive limb-girdle muscular dystrophy type 2J (LGMDR10). Also called: Limb-girdle muscular dystrophy, type 2J; MUSCULAR DYSTROPHY, LIMB-GIRDLE, AUTOSOMAL RECESSIVE 10. Identifiers: Orphanet 140922, MedGen C1837342, MONDO:0012127, OMIM 608807.
Dilated cardiomyopathy 1G (CMD1G). Identifiers: Orphanet 154, MedGen C1858763, MONDO:0011400, OMIM 604145.
Myopathy, myofibrillar, 9, with early respiratory failure (MFM9). Also called: EDSTROM MYOPATHY; MYOPATHY, PROXIMAL, WITH EARLY RESPIRATORY MUSCLE INVOLVEMENT; Hereditary myopathy with early respiratory failure; Myopathy, distal, with early respiratory failure, autosomal dominant. Identifiers: Orphanet 178464, Orphanet 34521, MedGen C1863599, MONDO:0011362, OMIM 603689.
Hypertrophic cardiomyopathy 9. Also called: Familial hypertrophic cardiomyopathy 9. Identifiers: MedGen C1861065, MONDO:0013412, OMIM 613765.
Early-onset myopathy with fatal cardiomyopathy (CMYO5). Also called: Salih Myopathy; CONGENITAL MYOPATHY 5 WITH CARDIOMYOPATHY. Identifiers: Orphanet 289377, MedGen C2673677, MONDO:0012714, OMIM 611705. Disease mechanism: loss of function.
Tibial muscular dystrophy (TMD). Also called: UDD MYOPATHY; Tibial muscular dystrophy, tardive; Udd Distal Myopathy – Tibial Muscular Dystrophy. Identifiers: Orphanet 609, MedGen C1838244, MONDO:0010870, OMIM 600334.

Allele frequency attached by ClinVar (database versions not stated): gnomAD exomes 0.00002 and 0.00004; ExAC 0.00003; gnomAD 0.00016 and 0.00019; TOPMed 0.00021; ESP Exome Variant Server 0.00042.
gnomAD v4.1: 48 of 1,609,984 alleles (0.003%); highest among the groups gnomAD compares: African/African-American, 0.064%; no homozygotes.

Submissions (6):

Women's Health and Genetics/Laboratory Corporation of America, LabCorp
Classification: Uncertain significance. Last evaluated: 2023-08-19. Review status: criteria provided, single submitter. Criteria: LabCorp Variant Classification Summary - May 2015. Collection method: clinical testing. Allele origin: germline.

Fulgent Genetics
Classification: Uncertain significance for Tibial muscular dystrophy; Myopathy, myofibrillar, 9, with early respiratory failure; Dilated cardiomyopathy 1G; Autosomal recessive limb-girdle muscular dystrophy type 2J; Early-onset myopathy with fatal cardiomyopathy; Hypertrophic cardiomyopathy 9. Last evaluated: 2021-12-03. Review status: criteria provided, single submitter. Criteria: ACMG Guidelines, 2015. Collection method: clinical testing. Allele origin: unknown.

Ambry Genetics
Classification: Likely benign for Cardiovascular phenotype. Last evaluated: 2019-08-20. Review status: criteria provided, single submitter. Criteria: Ambry Variant Classification Scheme 2023. Collection method: clinical testing. Allele origin: germline.

Labcorp Genetics (formerly Invitae), Labcorp
Classification: Uncertain significance for Dilated cardiomyopathy 1G; Autosomal recessive limb-girdle muscular dystrophy type 2J. Last evaluated: 2017-08-26. Review status: criteria provided, single submitter. Criteria: Invitae Variant Classification Sherloc (09022015). Collection method: clinical testing. Allele origin: germline.

Eurofins Ntd Llc (ga)
Classification: Uncertain significance. Last evaluated: 2016-10-20. Review status: criteria provided, single submitter. Criteria: EGL Classification Definitions 2015. Collection method: clinical testing. Allele origin: germline. Observed: 2 variant alleles, 2 heterozygotes.

PreventionGenetics, part of Exact Sciences
Classification: Uncertain significance for TTN-related condition. Last evaluated: 2024-07-15. Review status: no assertion criteria provided. Collection method: clinical testing. Allele origin: germline. Not counted in ClinVar's aggregate classification.
Comment: The TTN c.78914C>G variant is predicted to result in the amino acid substitution p.Ser26305Cys. To our knowledge, this variant has not been reported in the literature. This variant is reported in 0.079% of alleles in individuals of African descent in gnomAD. Although we suspect that this variant may be benign, at this time, the clinical significance of this variant is uncertain due to the absence of conclusive functional and genetic evidence.

NM_001267550.2(TTN):c.78914C>G (p.Ser26305Cys)

Genes: TTN (titin; minus strand), TTN-AS1 (TTN antisense RNA 1; plus strand). Cytogenetic location: 2q31.2.
Variant type: single nucleotide variant.
Coding change: c.78914C>G on transcript NM_001267550.2 (MANE Select); coding-DNA position 78914, C replaced by G.
Protein change: p.Ser26305Cys; replaces serine 26305 with cysteine.
Molecular consequence: missense variant.
Genome position (GRCh38, 1-based): chr2:178,567,218, G>C on the plus strand (C>G on the coding strand, the complement: TTN is on the minus strand). VCF-style: chr2-178567218-G-C. GRCh37 (hg19) VCF-style: chr2-179431945-G-C.
Other names: c.73991C>G, p.Ser24664Cys (NM_001256850.1); c.51719C>G, p.Ser17240Cys (NM_003319.4); c.71210C>G, p.Ser23737Cys (NM_133378.4); c.52094C>G, p.Ser17365Cys (NM_133432.3); c.52295C>G, p.Ser17432Cys (NM_133437.4); short protein forms S26305C, S23737C, S17240C, S24664C, S17365C, S17432C.
Identifiers: ClinVar variation 467517 (VCV000467517.12), dbSNP rs199646089, ClinGen allele CA1989553.